The following is an entry in ClinVar:

ClinVar aggregate classification (germline): Conflicting classifications of pathogenicity. Review status: criteria provided, conflicting classifications (1 of 4 stars). 4 submissions from 4 submitters: Uncertain significance (2); Likely benign (2). Last evaluated 2026-03-24.

Conditions:
AIFM1-related disorder. Also called: AIFM1-related condition.
Inborn genetic diseases. Identifiers: MedGen C0950123, MeSH D030342.
Combined oxidative phosphorylation deficiency. Identifiers: MedGen C4540031, MONDO:0000732.
Charcot-Marie-Tooth Neuropathy X. Identifiers: MedGen CN118851.

Allele frequency attached by ClinVar (database versions not stated): ExAC 0.00003; gnomAD exomes 0.00003 and 0.00013; TOPMed 0.00003; gnomAD 0.00008 and 0.00009; ESP Exome Variant Server 0.00009.
gnomAD v4.1: 149 of 1,209,352 alleles (0.012%); highest among the groups gnomAD compares: Non-Finnish European, 0.016%; no homozygotes.

Submissions (4):

Women's Health and Genetics/Laboratory Corporation of America, LabCorp
Classification: Uncertain significance. Last evaluated: 2026-03-24. Review status: criteria provided, single submitter. Criteria: LabCorp Variant Classification Summary - May 2015. Collection method: clinical testing. Allele origin: germline.
Comment: Variant summary: AIFM1 c.1075+4G>C alters a conserved nucleotide located close to a canonical splice site and therefore could affect mRNA splicing, leading to a significantly altered protein sequence. Consensus agreement among computation tools predict no significant impact on normal splicing. However, these predictions have yet to be confirmed by functional studies. The variant allele was found at a frequency of 3.3e-05 in 183074 control chromosomes. The available data on variant occurrences in the general population are insufficient to allow any conclusion about variant significance. To our knowledge, no occurrence of c.1075+4G>C in individuals affected with AIFM1-related conditions and no experimental evidence demonstrating its impact on protein function have been reported. ClinVar contains an entry for this variant (Variation ID: 640384). Based on the evidence outlined above, the variant was classified as uncertain significance.

PreventionGenetics, part of Exact Sciences
Classification: Likely benign for AIFM1-related condition. Last evaluated: 2025-08-29. Review status: criteria provided, single submitter. Criteria: ACMG Guidelines, 2015. Collection method: clinical testing. Allele origin: germline.
Comment: This variant is classified as likely benign based on ACMG/AMP sequence variant interpretation guidelines (Richards et al. 2015 PMID: 25741868, with internal and published modifications).

Labcorp Genetics (formerly Invitae), Labcorp
Classification: Likely benign for Charcot-Marie-Tooth Neuropathy X; Combined oxidative phosphorylation deficiency. Last evaluated: 2025-04-19. Review status: criteria provided, single submitter. Criteria: Invitae Variant Classification Sherloc (09022015). Collection method: clinical testing. Allele origin: germline.

Ambry Genetics
Classification: Uncertain significance for Inborn genetic diseases. Last evaluated: 2019-11-24. Review status: criteria provided, single submitter. Criteria: Ambry Variant Classification Scheme 2023. Collection method: clinical testing. Allele origin: germline.
Comment: The c.1075+4G>C intronic variant results from a G to C substitution 4 nucleotides after coding exon 10 in the AIFM1 gene. This nucleotide position is not well conserved in available vertebrate species. Using the BDGP and ESEfinder splice site prediction tools, this alteration is not predicted to have any significant effect on this splice donor site; however, direct evidence is unavailable. Since supporting evidence is limited at this time, the clinical significance of this alteration remains unclear.

NM_004208.4(AIFM1):c.1075+4G>C

Genes: AIFM1 (apoptosis inducing factor mitochondria associated 1; minus strand), RAB33A (RAB33A, member RAS oncogene family; plus strand). Cytogenetic location: Xq26.1.
Variant type: single nucleotide variant.
Coding change: c.1075+4G>C on transcript NM_004208.4 (MANE Select); 4 bases into the intron after coding-DNA position 1075, G replaced by C.
Molecular consequence: intron variant.
Genome position (GRCh38, 1-based): chrX:130,137,074, C>G on the plus strand (G>C on the coding strand, the complement: AIFM1 is on the minus strand). VCF-style: chrX-130137074-C-G. GRCh37 (hg19) VCF-style: chrX-129271049-C-G.
Other names: c.1063+4G>C (NM_145812.3); c.*303+4G>C (NM_001130847.4); c.58+4G>C (NM_001130846.4).
Identifiers: ClinVar variation 640384 (VCV000640384.12), dbSNP rs374943447, ClinGen allele CA10515342.